The following is an entry in ClinVar:

ClinVar aggregate classification (germline): Uncertain significance (1 of 4 stars; one submission).

Conditions:
Epilepsy, familial focal, with variable foci 3 (FFEVF3). Identifiers: MedGen C4310708, MONDO:0014925, OMIM 617118.

Allele frequency attached by ClinVar (database versions not stated): ExAC 0.00002.
gnomAD v4.1: 27 of 1,534,010 alleles (0.0018%); highest among the groups gnomAD compares: African/African-American, 0.0042%; no homozygotes.

Submission:

Labcorp Genetics (formerly Invitae), Labcorp
Classification: Uncertain significance for Epilepsy, familial focal, with variable foci 3. Last evaluated: 2020-05-20. Review status: criteria provided, single submitter. Criteria: Invitae Variant Classification Sherloc (09022015). Collection method: clinical testing. Allele origin: germline.
Comment: In summary, the available evidence is currently insufficient to determine the role of this variant in disease. Therefore, it has been classified as a Variant of Uncertain Significance. Experimental studies and prediction algorithms are not available or were not evaluated, and the functional significance of this variant is currently unknown. This variant has not been reported in the literature in individuals with NPRL3-related conditions. This variant is present in population databases (rs779688768, ExAC 0.003%). This sequence change replaces arginine with cysteine at codon 256 of the NPRL3 protein (p.Arg256Cys). The arginine residue is moderately conserved and there is a large physicochemical difference between arginine and cysteine.

NM_001077350.3(NPRL3):c.766C>T (p.Arg256Cys)

Genes: HBA-LCR (alpha-globin locus control region; plus strand), NPRL3 (NPR3 like, GATOR1 complex subunit; minus strand). Cytogenetic location: 16p13.3.
Variant type: single nucleotide variant.
Coding change: c.766C>T on transcript NM_001077350.3 (MANE Select); coding-DNA position 766, C replaced by T.
Protein change: p.Arg256Cys; replaces arginine 256 with cysteine.
Molecular consequence: missense variant.
Genome position (GRCh38, 1-based): chr16:100,373, G>A on the plus strand (C>T on the coding strand, the complement: NPRL3 is on the minus strand). VCF-style: chr16-100373-G-A. GRCh37 (hg19) VCF-style: chr16-150371-G-A.
Other names: c.229C>T, p.Arg77Cys (NM_001039476.3); c.532C>T, p.Arg178Cys (NM_001243247.2); c.691C>T, p.Arg231Cys (NM_001243248.2, NM_001243249.2); short protein forms R178C, R231C, R256C, R77C.
Identifiers: ClinVar variation 1003166 (VCV001003166.7), dbSNP rs779688768, ClinGen allele CA7769561.
Genomic context (GRCh38, chr16:100,373, plus strand): 5'-GGCAGAAGCTAAAGGGAAGGGCCCTGGCAGGGAGTGAGCACGTGGGGCTGGGCACTTACC[G>A]GATGGCTTTCAGGCTCCGTTCGATGGCCTCTGGGGGGATCAGACTGGAGGCCGCATAGTG-3'
Protein context (NP_001070818.1, residues 246-266): EAIERSLKAI[Arg256Cys]PYHALLLLSD